The following is an entry in ClinVar:

ClinVar aggregate classification (germline): Uncertain significance. Review status: criteria provided, multiple submitters, no conflicts (2 of 4 stars). 4 submissions from 4 submitters: Uncertain significance (4). Last evaluated 2026-01-20.

Conditions:
Cardiovascular phenotype. Identifiers: MedGen CN230736.
Hereditary cancer-predisposing syndrome. Also called: Hereditary Cancer Syndrome; Hereditary neoplastic syndrome; Neoplastic Syndromes, Hereditary; Tumor predisposition. Identifiers: Orphanet 140162, MedGen C0027672, MeSH D009386, MONDO:0015356.
LZTR1-related schwannomatosis. Also called: Schwannomatosis 2; Schwannomatosis-2, susceptibility to. Identifiers: Orphanet 93921, MedGen C3810283, MONDO:0014299, OMIM 615670.

Allele frequency attached by ClinVar (database versions not stated): ExAC 0.00002; gnomAD 0.00002; gnomAD exomes 0.00003; TOPMed 0.00003.
gnomAD v4.1: 48 of 1,612,840 alleles (0.003%); highest among the groups gnomAD compares: Non-Finnish European, 0.0039%; no homozygotes.

Submissions (4):

Labcorp Genetics (formerly Invitae), Labcorp
Classification: Uncertain significance. Last evaluated: 2026-01-20. Review status: criteria provided, single submitter. Criteria: Invitae Variant Classification Sherloc (09022015). Collection method: clinical testing. Allele origin: germline.
Comment: This sequence change replaces valine, which is neutral and non-polar, with methionine, which is neutral and non-polar, at codon 448 of the LZTR1 protein (p.Val448Met). This variant is present in population databases (rs750902731, gnomAD 0.005%). This variant has not been reported in the literature in individuals affected with LZTR1-related conditions. ClinVar contains an entry for this variant (Variation ID: 1770394). Invitae Evidence Modeling of protein sequence and biophysical properties (such as structural, functional, and spatial information, amino acid conservation, physicochemical variation, residue mobility, and thermodynamic stability) indicates that this missense variant is not expected to disrupt LZTR1 protein function with a negative predictive value of 80%. In summary, the available evidence is currently insufficient to determine the role of this variant in disease. Therefore, it has been classified as a Variant of Uncertain Significance.

Ambry Genetics
Classification: Uncertain significance for Cardiovascular phenotype; Hereditary cancer-predisposing syndrome. Last evaluated: 2024-10-21. Review status: criteria provided, single submitter. Criteria: Ambry Variant Classification Scheme 2023. Collection method: clinical testing. Allele origin: germline.
Comment: The p.V448M variant (also known as c.1342G>A), located in coding exon 12 of the LZTR1 gene, results from a G to A substitution at nucleotide position 1342. The valine at codon 448 is replaced by methionine, an amino acid with highly similar properties. The variant has been detected in a cohort of patients with myeloid malignancy (Li ST et al. Leukemia, 2020 06;34:1675-1678). This amino acid position is not well conserved in available vertebrate species. In addition, this alteration is predicted to be tolerated by in silico analysis. Since supporting evidence is limited at this time, the clinical significance of this alteration remains unclear.

Baylor Genetics
Classification: Uncertain significance for LZTR1-related schwannomatosis. Last evaluated: 2024-01-14. Review status: criteria provided, single submitter. Criteria: ACMG Guidelines, 2015. Collection method: clinical testing. Allele origin: unknown.

Clinical Genetics Laboratory, Skane University Hospital Lund
Classification: Uncertain significance. Last evaluated: 2023-11-17. Review status: criteria provided, single submitter. Criteria: ACMG Guidelines, 2015. Collection method: clinical testing. Allele origin: germline. Affected: yes.

Literature cited by the submitters: PubMed 31911633 (cited by Ambry Genetics).

NM_006767.4(LZTR1):c.1342G>A (p.Val448Met)

Gene: LZTR1 (leucine zipper like post translational regulator 1; plus strand). Cytogenetic location: 22q11.21.
Variant type: single nucleotide variant.
Coding change: c.1342G>A on transcript NM_006767.4 (MANE Select); coding-DNA position 1342, G replaced by A.
Protein change: p.Val448Met; replaces valine 448 with methionine.
Molecular consequence: missense variant.
Genome position (GRCh38, 1-based): chr22:20,993,743, G>A. VCF-style: chr22-20993743-G-A. GRCh37 (hg19) VCF-style: chr22-21348032-G-A.
Other names: short protein forms V448M.
Identifiers: ClinVar variation 1770394 (VCV001770394.9), dbSNP rs750902731, ClinGen allele CA10118821.